The following is an entry in ClinVar:

NM_020442.6(VARS2):c.1777C>A (p.Pro593Thr)

Genes: VARS2 (valyl-tRNA synthetase 2, mitochondrial; plus strand), LOC126859646 (MED14-independent group 3 enhancer GRCh37_chr6:30889690-30890889; plus strand). Cytogenetic location: 6p21.33.
Variant type: single nucleotide variant.
Coding change: c.1777C>A on transcript NM_020442.6 (MANE Select); coding-DNA position 1777, C replaced by A.
Protein change: p.Pro593Thr; replaces proline 593 with threonine.
Molecular consequence: missense variant.
Genome position (GRCh38, 1-based): chr6:30,921,966, C>A. VCF-style: chr6-30921966-C-A. GRCh37 (hg19) VCF-style: chr6-30889743-C-A.
Other names: c.1357C>A, p.Pro453Thr (NM_001167733.3); c.1867C>A, p.Pro623Thr (NM_001167734.2); short protein forms P623T, P453T, P593T.
Identifiers: ClinVar variation 4693880 (VCV004693880.1).
Genomic context (GRCh38, chr6:30,921,966, plus strand): 5'-TTCTTTTTCTGTTTCCCAGATCCTGATGTCCTAGACACATGGTTTTCTTCTGCCCTGTTC[C>A]CCTTTTCTGCCCTGGGCTGGCCCCAAGAGGTGAGGTGGGTTGAGAGGGCGAAAGTGAAGG-3'
Protein context (NP_065175.4, residues 583-603): LDTWFSSALF[Pro593Thr]FSALGWPQET

ClinVar aggregate classification (germline): Uncertain significance (1 of 4 stars; one submission).

Submission:

Labcorp Genetics (formerly Invitae), Labcorp
Classification: Uncertain significance. Last evaluated: 2025-07-30. Review status: criteria provided, single submitter. Criteria: Invitae Variant Classification Sherloc (09022015). Collection method: clinical testing. Allele origin: germline.
Comment: This sequence change replaces proline, which is neutral and non-polar, with threonine, which is neutral and polar, at codon 623 of the VARS2 protein (p.Pro623Thr). This variant is not present in population databases (gnomAD no frequency). This variant has not been reported in the literature in individuals affected with VARS2-related conditions. Invitae Evidence Modeling of protein sequence and biophysical properties (such as structural, functional, and spatial information, amino acid conservation, physicochemical variation, residue mobility, and thermodynamic stability) indicates that this missense variant is not expected to disrupt VARS2 protein function with a negative predictive value of 80%. In summary, the available evidence is currently insufficient to determine the role of this variant in disease. Therefore, it has been classified as a Variant of Uncertain Significance.